The following is an entry in ClinVar:

NM_000088.4(COL1A1):c.977G>A (p.Gly326Asp)

Gene: COL1A1 (collagen type I alpha 1 chain; minus strand). Cytogenetic location: 17q21.33.
Variant type: single nucleotide variant.
Coding change: c.977G>A on transcript NM_000088.4 (MANE Select); coding-DNA position 977, G replaced by A.
Protein change: p.Gly326Asp; replaces glycine 326 with aspartic acid.
Molecular consequence: missense variant.
Genome position (GRCh38, 1-based): chr17:50,196,180, C>T on the plus strand (G>A on the coding strand, the complement: COL1A1 is on the minus strand). VCF-style: chr17-50196180-C-T. GRCh37 (hg19) VCF-style: chr17-48273541-C-T.
Other names: c.977G>A (LRG_1t1); short protein forms G326D.
Identifiers: ClinVar variation 425642 (VCV000425642.4), dbSNP rs72645356, ClinGen allele CA291547133.

ClinVar aggregate classification (germline): Pathogenic. Review status: criteria provided, single submitter (1 of 4 stars). 2 submissions from 2 submitters: Pathogenic (1). 1 of the submissions does not count toward it. Last evaluated 2023-09-17.

Conditions:
Osteogenesis imperfecta type I (OI1). Also called: Lobstein's Disease; Lobstein disease; Osteogenesis imperfecta type 1; OI, TYPE I; OSTEOGENESIS IMPERFECTA TARDA; OSTEOGENESIS IMPERFECTA WITH BLUE SCLERAE. Identifiers: Orphanet 216796, Orphanet 666, MedGen C0023931, MONDO:0008146, OMIM 166200. Disease mechanism: loss of function.

Submissions (2):

Labcorp Genetics (formerly Invitae), Labcorp
Classification: Pathogenic for Osteogenesis imperfecta type I. Last evaluated: 2023-09-17. Review status: criteria provided, single submitter. Criteria: Invitae Variant Classification Sherloc (09022015). Collection method: clinical testing. Allele origin: germline.
Comment: This sequence change replaces glycine, which is neutral and non-polar, with aspartic acid, which is acidic and polar, at codon 326 of the COL1A1 protein (p.Gly326Asp). This variant is not present in population databases (gnomAD no frequency). This missense change has been observed in individuals with osteogenesis imperfecta (PMID: 17078022, 27509835). ClinVar contains an entry for this variant (Variation ID: 425642). Advanced modeling of protein sequence and biophysical properties (such as structural, functional, and spatial information, amino acid conservation, physicochemical variation, residue mobility, and thermodynamic stability) performed at Invitae indicates that this missense variant is expected to disrupt COL1A1 protein function. For these reasons, this variant has been classified as Pathogenic. This variant disrupts the triple helix domain of COL1A1. Glycine residues within the Gly-Xaa-Yaa repeats of the triple helix domain are required for the structure and stability of fibrillar collagens (PMID: 7695699, 8218237, 19344236). In COL1A1, variants affecting these glycine residues are significantly enriched in individuals with disease (PMID: 9016532, 17078022) compared to the general population (ExAC).

Department of Medical Sciences, Uppsala University
Classification: Pathogenic for OI type I. Review status: no assertion criteria provided. Collection method: clinical testing. Allele origin: maternal. Affected: yes. Observed: 1 variant allele. Not counted in ClinVar's aggregate classification.

Literature cited by the submitters: PubMed 17078022 (cited by Labcorp Genetics (formerly Invitae), Labcorp); PubMed 27509835 (cited by Labcorp Genetics (formerly Invitae), Labcorp); PubMed 7695699 (cited by Labcorp Genetics (formerly Invitae), Labcorp); PubMed 8218237 (cited by Labcorp Genetics (formerly Invitae), Labcorp); PubMed 19344236 (cited by Labcorp Genetics (formerly Invitae), Labcorp); PubMed 9016532 (cited by Labcorp Genetics (formerly Invitae), Labcorp); PubMed 25944380 (cited by Department of Medical Sciences, Uppsala University).